The following is an entry in ClinVar:

NM_024685.4(BBS10):c.146G>T (p.Arg49Leu)

Gene: BBS10 (Bardet-Biedl syndrome 10; minus strand). Cytogenetic location: 12q21.2.
Variant type: single nucleotide variant.
Coding change: c.146G>T on transcript NM_024685.4 (MANE Select); coding-DNA position 146, G replaced by T.
Protein change: p.Arg49Leu; replaces arginine 49 with leucine.
Molecular consequence: missense variant.
Genome position (GRCh38, 1-based): chr12:76,348,213, C>A on the plus strand (G>T on the coding strand, the complement: BBS10 is on the minus strand). VCF-style: chr12-76348213-C-A. GRCh37 (hg19) VCF-style: chr12-76741993-C-A.
Other names: short protein forms R49L.
Identifiers: ClinVar variation 3336318 (VCV003336318.4).
Genomic context (GRCh38, chr12:76,348,213, plus strand): 5'-CGCGGGTACCTGGCTATGGGATGCTCTAAGTGTAGCGCCTCCAGGAGGCGGCCTCCATTC[C>A]GGCTGAGAAGCACCTCGCCAGTGGGCTTCGTACACAAAACTTGCCGTCCCTCGGGCCCCA-3'
Protein context (NP_078961.3, residues 39-59): TKPTGEVLLS[Arg49Leu]NGGRLLEALH

ClinVar aggregate classification (germline): Conflicting classifications of pathogenicity. Review status: criteria provided, conflicting classifications (1 of 4 stars). 4 submissions from 4 submitters: Likely pathogenic (2); Uncertain significance (1). 1 of the submissions does not count toward it. Last evaluated 2026-03-11.

Conditions:
Bardet-Biedl syndrome 10 (BBS10). Identifiers: Orphanet 110, MedGen C1859568, MONDO:0014438, OMIM 615987.
Retinitis pigmentosa (RP). Identifiers: Orphanet 791, MedGen C0035334, MeSH D012174, MONDO:0019200, OMIM 268000. Inheritance: Autosomal dominant, autosomal recessive and X linked inheritance.
Bardet-Biedl syndrome (BBS). Identifiers: Orphanet 110, MedGen C0752166, MONDO:0015229.

Submissions (4):

Myriad Genetics, Inc.
Classification: Uncertain significance for Bardet-Biedl syndrome 10. Last evaluated: 2026-03-11. Review status: criteria provided, single submitter. Criteria: Myriad Autosomal Dominant, Autosomal Recessive and X-Linked Classification Criteria (2023). Collection method: clinical testing. Allele origin: unknown.
Comment: NM_024685.3(BBS10):c.146G>T(R49L) is a missense variant classified as a variant of uncertain significance in the context of Bardet-Biedl syndrome, BBS10-related. R49L has been observed in cases with relevant disease (PMID: 36648511, Priya_2022_Article). Relevant functional assessments of this variant are not available in the literature. R49L has not been observed in referenced population frequency databases. In summary, there is insufficient evidence to classify NM_024685.3(BBS10):c.146G>T(R49L) as pathogenic or benign. Please note: this variant was assessed in the context of healthy population screening.

Women's Health and Genetics/Laboratory Corporation of America, LabCorp
Classification: Likely pathogenic for Bardet-Biedl syndrome. Last evaluated: 2024-05-29. Review status: criteria provided, single submitter. Criteria: LabCorp Variant Classification Summary - May 2015. Collection method: clinical testing. Allele origin: germline.
Comment: Variant summary: BBS10 c.146G>T (p.Arg49Leu) results in a non-conservative amino acid change in the encoded protein sequence. Five of five in-silico tools predict a damaging effect of the variant on protein function. The variant was absent in 247886 control chromosomes. c.146G>T has been reported in the literature as homozygous in an individual affected with clinical features of Bardet-Biedl Syndrome (Yohe_2020, Gopinath_2023). These data indicate that the variant may be associated with disease. To our knowledge, no experimental evidence demonstrating an impact on protein function has been reported. However, a different variant affecting the same codon has been classified as pathogenic (c.145C>T (p.Arg49Trp), supporting the critical relevance of codon 49 to BBS10 protein function. The following publications have been ascertained in the context of this evaluation (PMID: 36648511, 31816670). No submitters have cited clinical-significance assessments for this variant to ClinVar. Based on the evidence outlined above, the variant was classified as likely pathogenic.

Fulgent Genetics
Classification: Likely pathogenic for Bardet-Biedl syndrome 10. Last evaluated: 2024-05-28. Review status: criteria provided, single submitter. Criteria: ACMG Guidelines, 2015. Collection method: clinical testing. Allele origin: germline.

Gen-Eye Clinic, Grow Research Laboratory, Narayana Nethralaya
Classification: Likely pathogenic for Retinitis pigmentosa. Last evaluated: 2016-06-07. Review status: no assertion criteria provided. Collection method: clinical testing. Allele origin: germline. Affected: yes. Not counted in ClinVar's aggregate classification.

Literature cited by the submitters: PubMed 31816670 (cited by Women's Health and Genetics/Laboratory Corporation of America, LabCorp); PubMed 36648511 (cited by Women's Health and Genetics/Laboratory Corporation of America, LabCorp); PubMed 21344540 (cited by Gen-Eye Clinic, Grow Research Laboratory, Narayana Nethralaya).